The following is an entry in ClinVar:

ClinVar aggregate classification (germline): Pathogenic (1 of 4 stars; one submission).

Submission:

Athena Diagnostics
Classification: Pathogenic. Last evaluated: 2023-11-14. Review status: criteria provided, single submitter. Criteria: Athena Diagnostics Criteria. Collection method: clinical testing. Allele origin: unknown.
Comment: This variant is expected to maintain the transcript reading frame, however, it disrupts an important region of the protein, and therefore, is expected to severely disrupt function. This variant appears to occur de novo in at least one individual. This variant has not been reported in large, multi-ethnic general populations.

Single allele

Gene: TSC2 (TSC complex subunit 2; plus strand). Cytogenetic location: 16p13.3.
Variant type: Deletion.
Identifiers: ClinVar variation 3571991 (VCV003571991.1).